The following is an entry in ClinVar:

NM_172107.4(KCNQ2):c.1618A>G (p.Ile540Val)

Gene: KCNQ2 (potassium voltage-gated channel subfamily Q member 2; minus strand). Cytogenetic location: 20q13.33.
Variant type: single nucleotide variant.
Coding change: c.1618A>G on transcript NM_172107.4 (MANE Select); coding-DNA position 1618, A replaced by G.
Protein change: p.Ile540Val; replaces isoleucine 540 with valine.
Molecular consequence: missense variant.
Genome position (GRCh38, 1-based): chr20:63,414,101, T>C on the plus strand (A>G on the coding strand, the complement: KCNQ2 is on the minus strand). VCF-style: chr20-63414101-T-C. GRCh37 (hg19) VCF-style: chr20-62045454-T-C.
Other names: c.1564A>G, p.Ile522Val (NM_001382235.1, NM_172106.3); c.1534A>G, p.Ile512Val (NM_004518.6); c.1525A>G, p.Ile509Val (NM_172108.5); short protein forms I509V, I512V, I522V, I540V.
Identifiers: ClinVar variation 1067283 (VCV001067283.10), dbSNP rs2145547478, ClinGen allele CA409645172.

ClinVar aggregate classification (germline): Likely pathogenic (1 of 4 stars; one submission).

Conditions:
Early-infantile DEE. Also called: Ohtahara syndrome; Early infantile epileptic encephalopathy with suppression bursts; Early infantile epileptic encephalopathy. Identifiers: Orphanet 1934, MedGen C0393706, MONDO:0800491.

Allele frequency attached by ClinVar (database versions not stated): gnomAD exomes below 0.00001.
gnomAD v4.1: 2 of 1,613,404 alleles (0.00012%); highest among the groups gnomAD compares: Non-Finnish European, 0.00017%; no homozygotes.

Submission:

Labcorp Genetics (formerly Invitae), Labcorp
Classification: Likely pathogenic for Early-infantile DEE. Last evaluated: 2020-12-28. Review status: criteria provided, single submitter. Criteria: Invitae Variant Classification Sherloc (09022015). Collection method: clinical testing. Allele origin: germline.
Comment: Advanced modeling of protein sequence and biophysical properties (such as structural, functional, and spatial information, amino acid conservation, physicochemical variation, residue mobility, and thermodynamic stability) performed at Invitae indicates that this missense variant is expected to disrupt KCNQ2 protein function. In summary, the currently available evidence indicates that the variant is pathogenic, but additional data are needed to prove that conclusively. Therefore, this variant has been classified as Likely Pathogenic. This variant disrupts the p.Ile540 amino acid residue in KCNQ2. Other variant(s) that disrupt this residue have been determined to be pathogenic (Invitae). This suggests that this residue is clinically significant, and that variants that disrupt this residue are likely to be disease-causing. This variant has not been reported in the literature in individuals with KCNQ2-related conditions. This variant is not present in population databases (ExAC no frequency). This sequence change replaces isoleucine with valine at codon 540 of the KCNQ2 protein (p.Ile540Val). The isoleucine residue is highly conserved and there is a small physicochemical difference between isoleucine and valine.